The following is an entry in ClinVar:

ClinVar aggregate classification (germline): Likely benign. Review status: criteria provided, multiple submitters, no conflicts (2 of 4 stars). 2 submissions from 2 submitters: Likely benign (2). Last evaluated 2025-08-04.

Conditions:
MYO5B-related disorder. Also called: MYO5B-related condition.

Allele frequency attached by ClinVar (database versions not stated): gnomAD exomes below 0.00001 and 0.00001; gnomAD 0.00003; TOPMed 0.00003.
gnomAD v4.1: 12 of 1,614,046 alleles (0.00074%); highest among the groups gnomAD compares: African/African-American, 0.013%; no homozygotes.

Submissions (2):

PreventionGenetics, part of Exact Sciences
Classification: Likely benign for MYO5B-related condition. Last evaluated: 2025-08-04. Review status: criteria provided, single submitter. Criteria: ACMG Guidelines, 2015. Collection method: clinical testing. Allele origin: germline.
Comment: This variant is classified as likely benign based on ACMG/AMP sequence variant interpretation guidelines (Richards et al. 2015 PMID: 25741868, with internal and published modifications).

Labcorp Genetics (formerly Invitae), Labcorp
Classification: Likely benign. Last evaluated: 2022-10-03. Review status: criteria provided, single submitter. Criteria: Invitae Variant Classification Sherloc (09022015). Collection method: clinical testing. Allele origin: germline.

NM_001080467.3(MYO5B):c.2166G>A (p.Lys722=)

Gene: MYO5B (myosin VB; minus strand). Cytogenetic location: 18q21.1.
Variant type: single nucleotide variant.
Coding change: c.2166G>A on transcript NM_001080467.3 (MANE Select); coding-DNA position 2166, G replaced by A.
Protein change: p.Lys722=; no amino-acid change (lysine 722 retained).
Molecular consequence: synonymous variant.
Genome position (GRCh38, 1-based): chr18:49,912,098, C>T on the plus strand (G>A on the coding strand, the complement: MYO5B is on the minus strand). VCF-style: chr18-49912098-C-T. GRCh37 (hg19) VCF-style: chr18-47438468-C-T.
Other names: c.2166G>A (NM_001080467.2).
Identifiers: ClinVar variation 1160150 (VCV001160150.10), dbSNP rs1384499340, ClinGen allele CA503855309.
Genomic context (GRCh38, chr18:49,912,098, plus strand): 5'-CTGGAGCTGGGCTGTGTGGCTCACCTTGATGAGGTTCTCCAGGACAGACCTGCAGATGGC[C>T]TTTTTGTCTGTGTTGGCGAGCTCTCTCTTCTTGACCAGCACCCGATACCGGTTGAAAAAG-3'
Protein context (NP_001073936.1, residues 712-732): KKRELANTDK[Lys722=]AICRSVLENL